The following is an entry in ClinVar:

NM_000081.4(LYST):c.7744C>T (p.His2582Tyr)

Gene: LYST (lysosomal trafficking regulator; minus strand). Cytogenetic location: 1q42.3.
Variant type: single nucleotide variant.
Coding change: c.7744C>T on transcript NM_000081.4 (MANE Select); coding-DNA position 7744, C replaced by T.
Protein change: p.His2582Tyr; replaces histidine 2582 with tyrosine.
Molecular consequence: missense variant.
Genome position (GRCh38, 1-based): chr1:235,751,246, G>A on the plus strand (C>T on the coding strand, the complement: LYST is on the minus strand). VCF-style: chr1-235751246-G-A. GRCh37 (hg19) VCF-style: chr1-235914546-G-A.
Other names: c.7744C>T, p.His2582Tyr (NM_001301365.1); short protein forms H2582Y.
Identifiers: ClinVar variation 1917237 (VCV001917237.5), dbSNP rs2527712600, ClinGen allele CA344929403.

ClinVar aggregate classification (germline): Uncertain significance (1 of 4 stars; one submission).

Conditions:
Chédiak-Higashi syndrome (CHS). Also called: Chediak-Higashi Syndrome. Identifiers: Orphanet 167, MedGen C0007965, MONDO:0008963, OMIM 214500.

Submission:

Labcorp Genetics (formerly Invitae), Labcorp
Classification: Uncertain significance for Chédiak-Higashi syndrome. Last evaluated: 2023-04-24. Review status: criteria provided, single submitter. Criteria: Invitae Variant Classification Sherloc (09022015). Collection method: clinical testing. Allele origin: germline.
Comment: In summary, the available evidence is currently insufficient to determine the role of this variant in disease. Therefore, it has been classified as a Variant of Uncertain Significance. Advanced modeling of protein sequence and biophysical properties (such as structural, functional, and spatial information, amino acid conservation, physicochemical variation, residue mobility, and thermodynamic stability) has been performed at Invitae for this missense variant, however the output from this modeling did not meet the statistical confidence thresholds required to predict the impact of this variant on LYST protein function. ClinVar contains an entry for this variant (Variation ID: 1917237). This variant has not been reported in the literature in individuals affected with LYST-related conditions. This variant is not present in population databases (gnomAD no frequency). This sequence change replaces histidine, which is basic and polar, with tyrosine, which is neutral and polar, at codon 2582 of the LYST protein (p.His2582Tyr).